The following is an entry in ClinVar:

ClinVar aggregate classification (germline): Likely benign. Review status: criteria provided, multiple submitters, no conflicts (2 of 4 stars). 3 submissions from 3 submitters: Likely benign (2). 1 of the submissions does not count toward it. Last evaluated 2025-12-15.

Conditions:
SERPING1-related disorder. Also called: SERPING1-related condition.

Allele frequency attached by ClinVar (database versions not stated): ExAC 0.00001; gnomAD 0.00002 and 0.00003; gnomAD exomes 0.00003 and 0.00016; TOPMed 0.00003; ESP Exome Variant Server 0.00008.
gnomAD v4.1: 227 of 1,614,046 alleles (0.014%); highest among the groups gnomAD compares: Non-Finnish European, 0.019%; no homozygotes.

Submissions (3):

Labcorp Genetics (formerly Invitae), Labcorp
Classification: Likely benign. Last evaluated: 2025-12-15. Review status: criteria provided, single submitter. Criteria: Invitae Variant Classification Sherloc (09022015). Collection method: clinical testing. Allele origin: germline.

Blueprint Genetics
Classification: Likely benign. Last evaluated: 2024-07-16. Review status: criteria provided, single submitter. Criteria: ACMG Guidelines, 2015. Collection method: clinical testing. Allele origin: germline.

PreventionGenetics, part of Exact Sciences
Classification: Likely benign for SERPING1-related condition. Last evaluated: 2020-02-11. Review status: no assertion criteria provided. Collection method: clinical testing. Allele origin: germline. Not counted in ClinVar's aggregate classification.
Comment: This variant is classified as likely benign based on ACMG/AMP sequence variant interpretation guidelines (Richards et al. 2015 PMID: 25741868, with internal and published modifications).

NM_000062.3(SERPING1):c.207C>T (p.Asn69=)

Gene: SERPING1 (serpin family G member 1; plus strand). Cytogenetic location: 11q12.1.
Variant type: single nucleotide variant.
Coding change: c.207C>T on transcript NM_000062.3 (MANE Select); coding-DNA position 207, C replaced by T.
Protein change: p.Asn69=; no amino-acid change (asparagine 69 retained).
Molecular consequence: synonymous variant.
Genome position (GRCh38, 1-based): chr11:57,600,034, C>T. VCF-style: chr11-57600034-C-T. GRCh37 (hg19) VCF-style: chr11-57367507-C-T.
Other names: c.207C>T, p.Asn69= (NM_001032295.2); c.207C>T (NM_000062.2).
Identifiers: ClinVar variation 1621931 (VCV001621931.11), dbSNP rs376218168, ClinGen allele CA6007998.